The following is an entry in ClinVar:

NM_000526.5(KRT14):c.507del (p.Ile169fs)

Gene: KRT14 (keratin 14; minus strand). Cytogenetic location: 17q21.2.
Variant type: Deletion.
Coding change: c.507del on transcript NM_000526.5 (MANE Select); coding-DNA position 507, one base deleted (T; older notation c.507delT).
Protein change: p.Ile169fs; shifts the reading frame from isoleucine 169.
Molecular consequence: frameshift variant.
Genome position (GRCh38, 1-based): chr17:41,586,328, A deleted on the plus strand (T on the coding strand, the reverse complement: KRT14 is on the minus strand); the first of 2 consecutive A bases (chr17:41,586,328-41,586,329); deleting either gives the same sequence. VCF-style (leftmost placement, unchanged base first): chr17-41586327-CA-C. GRCh37 (hg19) VCF-style: chr17-39742579-CA-C.
Other names: short protein forms I169fs.
Identifiers: ClinVar variation 4531283 (VCV004531283.1).
Genomic context (GRCh38, chr17:41,586,327, plus strand): 5'-AGGAGCTAGCTGGAATGGTGCCTTCTGCTGCCCATTCACCCACCTTGTTCCTCAGGTCCT[CA>C]ATGGTCTTGAAGTAGGGACTGTAGTCTTTGATCTCAGCAGGCCGCTGCCTCTGGTACCAG-3'

ClinVar aggregate classification (germline): Likely pathogenic (1 of 4 stars; one submission).

Conditions:
Epidermolysis bullosa simplex 1D, generalized, intermediate or severe, autosomal recessive. Identifiers: Orphanet 89838, MedGen C3715082, MONDO:0010976, OMIM 601001.

Submission:

Juno Genomics, Hangzhou Juno Genomics, Inc
Classification: Likely pathogenic for Epidermolysis bullosa simplex 1D, generalized, intermediate or severe, autosomal recessive. Review status: criteria provided, single submitter. Criteria: ACMG Guidelines, 2015. Collection method: clinical testing. Allele origin: germline. Affected: yes.
Comment: Absent from controls (or at extremely low frequency if recessive) in Genome Aggregation Database, Exome Sequencing Project, 1000 Genomes Project, or Exome Aggregation Consortium.;Null variant in a gene where loss of function (LOF) is a known mechanism of disease.